The following is an entry in ClinVar:

ClinVar aggregate classification (germline): Uncertain significance. Review status: criteria provided, single submitter (1 of 4 stars). 2 submissions from 2 submitters: Uncertain significance (1). 1 of the submissions does not count toward it. Last evaluated 2025-11-03.

Conditions:
Perrault syndrome. Also called: Gonadal dysgenesis with auditory dysfunction, autosomal recessive inheritance. Identifiers: Orphanet 2855, MedGen C0685838, MONDO:0017312.

Allele frequency attached by ClinVar (database versions not stated): gnomAD exomes 0.00001; TOPMed 0.00001; ExAC 0.00001.
gnomAD v4.1: 10 of 1,613,302 alleles (0.00062%); highest among the groups gnomAD compares: South Asian, 0.0022%; no homozygotes.

Submissions (2):

Labcorp Genetics (formerly Invitae), Labcorp
Classification: Uncertain significance. Last evaluated: 2025-11-03. Review status: criteria provided, single submitter. Criteria: Invitae Variant Classification Sherloc (09022015). Collection method: clinical testing. Allele origin: germline.
Comment: This sequence change replaces arginine, which is basic and polar, with glutamine, which is neutral and polar, at codon 323 of the TWNK protein (p.Arg323Gln). This variant is present in population databases (rs770917763, gnomAD 0.003%). This missense change has been observed in individual(s) with Perrault syndrome (PMID: 26970254). In at least one individual the data is consistent with being in trans (on the opposite chromosome) from a pathogenic variant. ClinVar contains an entry for this variant (Variation ID: 2203770). Invitae Evidence Modeling of protein sequence and biophysical properties (such as structural, functional, and spatial information, amino acid conservation, physicochemical variation, residue mobility, and thermodynamic stability) indicates that this missense variant is expected to disrupt TWNK protein function with a positive predictive value of 80%. In summary, the available evidence is currently insufficient to determine the role of this variant in disease. Therefore, it has been classified as a Variant of Uncertain Significance.

GeneReviews
No classification provided. Condition: Perrault syndrome. Review status: no classification provided. Collection method: literature only. Allele origin: germline. Not counted in ClinVar's aggregate classification.

Literature cited by the submitters: PubMed 26970254 (cited by Labcorp Genetics (formerly Invitae), Labcorp and GeneReviews).

NM_021830.5(TWNK):c.968G>A (p.Arg323Gln)

Gene: TWNK (twinkle mtDNA helicase; plus strand). Cytogenetic location: 10q24.31.
Variant type: single nucleotide variant.
Coding change: c.968G>A on transcript NM_021830.5 (MANE Select); coding-DNA position 968, G replaced by A.
Protein change: p.Arg323Gln; replaces arginine 323 with glutamine.
Molecular consequence: missense variant. On other transcripts: non-coding transcript variant (4), intron variant (3).
Genome position (GRCh38, 1-based): chr10:100,989,178, G>A. VCF-style: chr10-100989178-G-A. GRCh37 (hg19) VCF-style: chr10-102748935-G-A.
Other names: c.968G>A, p.Arg323Gln (NM_001163812.2); c.-119-466G>A (NM_001163814.2, NM_001163813.2); c.-57-528G>A (NM_001368275.1); short protein forms R323Q.
Identifiers: ClinVar variation 2203770 (VCV002203770.4), dbSNP rs770917763, ClinGen allele CA5653145.